The following is an entry in ClinVar:

ClinVar aggregate classification (germline): Uncertain significance (1 of 4 stars; one submission).

Submission:

Dasa
Classification: Uncertain significance. Last evaluated: 2025-10-10. Review status: criteria provided, single submitter. Criteria: DASA Assertion Criteria. Collection method: clinical testing. Allele origin: germline.
Comment: NM_002637.4(PHKA1):c.537+7A>G is a splice-region variant. This variant is rare in population databases. Computational prediction algorithms are consistent with a benign effect. The currently available literature and clinical evidence are not sufficient to establish a definitive association between this variant and the reported condition. Therefore, this variant is classified as a variant of uncertain significance.

NM_002637.4(PHKA1):c.537+7A>G

Gene: PHKA1 (phosphorylase kinase regulatory subunit alpha 1; minus strand). Cytogenetic location: Xq13.1.
Variant type: single nucleotide variant.
Coding change: c.537+7A>G on transcript NM_002637.4 (MANE Select); 7 bases into the intron after coding-DNA position 537, A replaced by G.
Molecular consequence: intron variant.
Genome position (GRCh38, 1-based): chrX:72,684,491, T>C on the plus strand (A>G on the coding strand, the complement: PHKA1 is on the minus strand). VCF-style: chrX-72684491-T-C. GRCh37 (hg19) VCF-style: chrX-71904341-T-C.
Other names: c.537+7A>G (NM_001440788.1, NM_001440787.1, NM_001172436.2 and 2 more transcripts).
Identifiers: ClinVar variation 4885536 (VCV004885536.2).